The following is an entry in ClinVar:

ClinVar aggregate classification (germline): Conflicting classifications of pathogenicity. Review status: criteria provided, conflicting classifications (1 of 4 stars). 4 submissions from 4 submitters: Uncertain significance (1); Likely benign (3). Last evaluated 2024-12-16.

Conditions:
Progressive sclerosing poliodystrophy (MTDPS4A). Also called: Alpers Syndrome; ALPERS PROGRESSIVE INFANTILE POLIODYSTROPHY; Alpers-Huttenlocher Syndrome; Mitochondrial DNA depletion syndrome 4A (Alpers type); NEURONAL DEGENERATION OF CHILDHOOD WITH LIVER DISEASE, PROGRESSIVE; Mitochondrial DNA Depletion Syndrome 4A. Identifiers: Orphanet 726, MedGen C0205710, MONDO:0008758, OMIM 203700.

Submissions (4):

Women's Health and Genetics/Laboratory Corporation of America, LabCorp
Classification: Uncertain significance. Last evaluated: 2024-12-16. Review status: criteria provided, single submitter. Criteria: LabCorp Variant Classification Summary - May 2015. Collection method: clinical testing. Allele origin: germline.
Comment: Variant summary: POLG c.659+16delG alters a non-conserved nucleotide located at a position not widely known to affect splicing. Several computational tools predict a significant impact on normal splicing: One predicts the variant weakens a cryptic 5' donor site. Two predict the variant creates a 5' donor site. One predicts the variant no significant impact on splicing. However, these predictions have yet to be confirmed by functional studies. The variant allele was found at a frequency of 2.4e-05 in 166538 control chromosomes. The available data on variant occurrences in the general population are insufficient to allow any conclusion about variant significance. To our knowledge, no occurrence of c.659+16delG in individuals affected with POLG-Related Spectrum Disorders and no experimental evidence demonstrating its impact on protein function have been reported. ClinVar contains an entry for this variant (Variation ID: 420326). Based on the evidence outlined above, the variant was classified as uncertain significance.

Blueprint Genetics
Classification: Likely benign. Last evaluated: 2024-11-07. Review status: criteria provided, single submitter. Criteria: ACMG Guidelines, 2015. Collection method: clinical testing. Allele origin: germline.

Labcorp Genetics (formerly Invitae), Labcorp
Classification: Likely benign for Progressive sclerosing poliodystrophy. Last evaluated: 2023-10-18. Review status: criteria provided, single submitter. Criteria: Invitae Variant Classification Sherloc (09022015). Collection method: clinical testing. Allele origin: germline.

GeneDx
Classification: Likely benign. Last evaluated: 2015-12-30. Review status: criteria provided, single submitter. Criteria: GeneDx Variant Classification (06012015). Collection method: clinical testing. Allele origin: germline. Affected: yes.
Comment: This variant is considered likely benign or benign based on one or more of the following criteria: it is a conservative change, it occurs at a poorly conserved position in the protein, it is predicted to be benign by multiple in silico algorithms, and/or has population frequency not consistent with disease.

NM_002693.3(POLG):c.659+16del

Genes: POLG (DNA polymerase gamma, catalytic subunit; minus strand), POLGARF (POLG alternative reading frame; minus strand). Cytogenetic location: 15q26.1.
Variant type: Deletion.
Coding change: c.659+16del on transcript NM_002693.3 (MANE Select); 16 bases into the intron after coding-DNA position 659, one base deleted (G; older notation c.659+16delG).
Molecular consequence: intron variant.
Genome position (GRCh38, 1-based): chr15:89,333,080, C deleted on the plus strand (G on the coding strand, the reverse complement: POLG is on the minus strand); the first of 3 consecutive C bases (chr15:89,333,080-89,333,082); deleting any one gives the same sequence. VCF-style (leftmost placement, unchanged base first): chr15-89333079-AC-A. GRCh37 (hg19) VCF-style: chr15-89876310-AC-A.
Other names: c.659+16delG (NM_002693.3, NM_002693.2); c.659+16del (NM_001126131.2).
Identifiers: ClinVar variation 420326 (VCV000420326.6), dbSNP rs745807900, ClinGen allele CA7725078.